The following is an entry in ClinVar:

ClinVar aggregate classification (germline): Uncertain significance. Review status: criteria provided, multiple submitters, no conflicts (2 of 4 stars). 2 submissions from 2 submitters: Uncertain significance (2). Last evaluated 2025-06-23.

Conditions:
Cardiomyopathy (CMYO). Also called: Cardiomyopathies. Identifiers: Orphanet 167848, MedGen C0878544, MONDO:0004994, HP:0001638. Inheritance: Various modes of inheritance.
Cardiovascular phenotype. Identifiers: MedGen CN230736.

gnomAD v4.1: 2 of 1,614,206 alleles (0.00012%); highest among the groups gnomAD compares: Non-Finnish European, 0.00017%; no homozygotes.

Submissions (2):

Color Diagnostics, LLC DBA Color Health
Classification: Uncertain significance for Cardiomyopathy. Last evaluated: 2025-06-23. Review status: criteria provided, single submitter. Criteria: ACMG Guidelines, 2015. Collection method: clinical testing. Allele origin: germline.
Comment: This missense variant replaces threonine with serine at codon 98 of the MYL2 protein. Computational prediction is inconclusive regarding the impact of this variant on protein structure and function. To our knowledge, functional studies have not been reported for this variant. This variant has not been reported in individuals affected with MYL2-related disorders in the literature. This variant has not been identified in the general population by the Genome Aggregation Database (gnomAD). The available evidence is insufficient to determine the role of this variant in disease conclusively. Therefore, this variant is classified as a Variant of Uncertain Significance.

Ambry Genetics
Classification: Uncertain significance for Cardiovascular phenotype. Last evaluated: 2024-08-12. Review status: criteria provided, single submitter. Criteria: Ambry Variant Classification Scheme 2023. Collection method: clinical testing. Allele origin: germline.
Comment: The p.T98S variant (also known as c.293C>G), located in coding exon 5 of the MYL2 gene, results from a C to G substitution at nucleotide position 293. The threonine at codon 98 is replaced by serine, an amino acid with similar properties. This amino acid position is conserved. In addition, the in silico prediction for this alteration is inconclusive. Based on the available evidence, the clinical significance of this variant remains unclear.

NM_000432.4(MYL2):c.293C>G (p.Thr98Ser)

Gene: MYL2 (myosin light chain 2; minus strand). Cytogenetic location: 12q24.11.
Variant type: single nucleotide variant.
Coding change: c.293C>G on transcript NM_000432.4 (MANE Select); coding-DNA position 293, C replaced by G.
Protein change: p.Thr98Ser; replaces threonine 98 with serine.
Molecular consequence: missense variant.
Genome position (GRCh38, 1-based): chr12:110,913,306, G>C on the plus strand (C>G on the coding strand, the complement: MYL2 is on the minus strand). VCF-style: chr12-110913306-G-C. GRCh37 (hg19) VCF-style: chr12-111351110-G-C.
Other names: c.251C>G, p.Thr84Ser (NM_001406745.1); c.236C>G, p.Thr79Ser (NM_001406916.1); short protein forms T79S, T98S, T84S.
Identifiers: ClinVar variation 3401038 (VCV003401038.2).